The following is an entry in ClinVar:

NM_000465.4(BARD1):c.515A>G (p.Asp172Gly)

Gene: BARD1 (BRCA1 associated RING domain 1; minus strand). Cytogenetic location: 2q35.
Variant type: single nucleotide variant.
Coding change: c.515A>G on transcript NM_000465.4 (MANE Select); coding-DNA position 515, A replaced by G.
Protein change: p.Asp172Gly; replaces aspartic acid 172 with glycine.
Molecular consequence: missense variant. On other transcripts: non-coding transcript variant (2), intron variant (3).
Genome position (GRCh38, 1-based): chr2:214,781,359, T>C on the plus strand (A>G on the coding strand, the complement: BARD1 is on the minus strand). VCF-style: chr2-214781359-T-C. GRCh37 (hg19) VCF-style: chr2-215646083-T-C.
Other names: c.458A>G, p.Asp153Gly (NM_001282543.2); c.158+28053A>G (NM_001282548.2); c.215+15702A>G (NM_001282545.2); c.364+10938A>G (NM_001282549.2); short protein forms D153G, D172G.
Identifiers: ClinVar variation 2774794 (VCV002774794.2), dbSNP rs1695022402, ClinGen allele CA350457486.

ClinVar aggregate classification (germline): Uncertain significance (1 of 4 stars; one submission).

Conditions:
Hereditary cancer-predisposing syndrome. Also called: Neoplastic Syndromes, Hereditary; Tumor predisposition; Hereditary Cancer Syndrome; Hereditary neoplastic syndrome. Identifiers: Orphanet 140162, MedGen C0027672, MeSH D009386, MONDO:0015356.

Submission:

Color Diagnostics, LLC DBA Color Health
Classification: Uncertain significance for Hereditary cancer-predisposing syndrome. Last evaluated: 2022-11-21. Review status: criteria provided, single submitter. Criteria: ACMG Guidelines, 2015. Collection method: clinical testing. Allele origin: germline.
Comment: This missense variant replaces aspartic acid with glycine at codon 172 of the BARD1 protein. Computational prediction suggests that this variant may not impact protein structure and function (internally defined REVEL score threshold <= 0.5, PMID: 27666373). To our knowledge, functional studies have not been reported for this variant. This variant has not been reported in individuals affected with BARD1-related disorders in the literature. This variant has not been identified in the general population by the Genome Aggregation Database (gnomAD). The available evidence is insufficient to determine the role of this variant in disease conclusively. Therefore, this variant is classified as a Variant of Uncertain Significance.